The following is an entry in ClinVar:

Single allele

Genes: ADAP2 (ArfGAP with dual PH domains 2; plus strand), ATAD5 (ATPase family AAA domain containing 5; plus strand), COPRS (coordinator of PRMT5 and differentiation stimulator; minus strand), CRLF3 (cytokine receptor like factor 3; minus strand), EVI2A (ecotropic viral integration site 2A; minus strand) and 10 more. Cytogenetic location: 17q11.2.
Variant type: Deletion.
Identifiers: ClinVar variation 1172820 (VCV001172820.1).

ClinVar aggregate classification (germline): Pathogenic (1 of 4 stars; one submission).

Conditions:
Cerebral palsy. Identifiers: MedGen C0007789, MONDO:0006497, HP:0100021.

Submission:

Neurogenetics Research Program, University of Adelaide
Classification: Pathogenic for Cerebral palsy. Last evaluated: 2021-06-10. Review status: criteria provided, single submitter. Criteria: ACMG Guidelines, 2015. Collection method: research. Allele origin: unknown. Affected: yes. Observed: 1 variant allele.
Comment: Cardiovascular complications are a feature of NF1.